The following is an entry in ClinVar:

ClinVar aggregate classification (germline): Uncertain significance (1 of 4 stars; one submission).

Conditions:
Bloom syndrome (BLM). Also called: Bloom-Torre-Machacek syndrome. Identifiers: Orphanet 125, MedGen C0005859, MONDO:0008876, OMIM 210900.

Submission:

Labcorp Genetics (formerly Invitae), Labcorp
Classification: Uncertain significance for Bloom syndrome. Last evaluated: 2021-07-28. Review status: criteria provided, single submitter. Criteria: Invitae Variant Classification Sherloc (09022015). Collection method: clinical testing. Allele origin: germline.
Comment: This sequence change replaces glutamic acid with glycine at codon 276 of the BLM protein (p.Glu276Gly). The glutamic acid residue is weakly conserved and there is a moderate physicochemical difference between glutamic acid and glycine. This variant is not present in population databases (ExAC no frequency). This variant has not been reported in the literature in individuals affected with BLM-related conditions. Algorithms developed to predict the effect of missense changes on protein structure and function output the following: SIFT: "Tolerated"; PolyPhen-2: "Benign"; Align-GVGD: "Class C0". The glycine amino acid residue is found in multiple mammalian species, which suggests that this missense change does not adversely affect protein function. In summary, the available evidence is currently insufficient to determine the role of this variant in disease. Therefore, it has been classified as a Variant of Uncertain Significance.

NM_000057.4(BLM):c.827A>G (p.Glu276Gly)

Gene: BLM (BLM RecQ like helicase; plus strand). Cytogenetic location: 15q26.1.
Variant type: single nucleotide variant.
Coding change: c.827A>G on transcript NM_000057.4 (MANE Select); coding-DNA position 827, A replaced by G.
Protein change: p.Glu276Gly; replaces glutamic acid 276 with glycine.
Molecular consequence: missense variant. On other transcripts: 5 prime UTR variant (1).
Genome position (GRCh38, 1-based): chr15:90,751,814, A>G. VCF-style: chr15-90751814-A-G. GRCh37 (hg19) VCF-style: chr15-91295044-A-G.
Other names: c.827A>G, p.Glu276Gly (NM_001287246.2, NM_001287247.2); c.-465A>G (NM_001287248.2); short protein forms E276G.
Identifiers: ClinVar variation 1370774 (VCV001370774.6), dbSNP rs2151149556, ClinGen allele CA393841673.